The following is an entry in ClinVar:

ClinVar aggregate classification (germline): Uncertain significance. Review status: criteria provided, multiple submitters, no conflicts (2 of 4 stars). 3 submissions from 3 submitters: Uncertain significance (3). Last evaluated 2023-09-25.

Conditions:
Hereditary cancer-predisposing syndrome. Also called: Neoplastic Syndromes, Hereditary; Tumor predisposition; Hereditary Cancer Syndrome; Hereditary neoplastic syndrome. Identifiers: Orphanet 140162, MedGen C0027672, MeSH D009386, MONDO:0015356.
Ataxia-telangiectasia syndrome (AT). Also called: LOUIS-BAR SYNDROME; Cerebello-oculocutaneous telangiectasia; Immunodeficiency with ataxia telangiectasia; Ataxia-telangiectasia, complementation group D; AT, COMPLEMENTATION GROUP C; ATAXIA-TELANGIECTASIA, COMPLEMENTATION GROUP A. Identifiers: Orphanet 100, MedGen C0004135, MONDO:0008840, OMIM 208900.

Allele frequency attached by ClinVar (database versions not stated): gnomAD exomes below 0.00001.
gnomAD v4.1: 1 of 1,612,256 alleles (0.000062%); highest among the groups gnomAD compares: Non-Finnish European, 0.000085%; no homozygotes.

Submissions (3):

GeneDx
Classification: Uncertain significance. Last evaluated: 2023-09-25. Review status: criteria provided, single submitter. Criteria: GeneDx Variant Classification Process June 2021. Collection method: clinical testing. Allele origin: germline. Affected: yes.
Comment: Not observed at significant frequency in large population cohorts (gnomAD); In silico analysis supports that this missense variant does not alter protein structure/function; Has not been previously published as pathogenic or benign to our knowledge

Labcorp Genetics (formerly Invitae), Labcorp
Classification: Uncertain significance for Ataxia-telangiectasia syndrome. Last evaluated: 2022-10-04. Review status: criteria provided, single submitter. Criteria: Invitae Variant Classification Sherloc (09022015). Collection method: clinical testing. Allele origin: germline.
Comment: This sequence change replaces asparagine, which is neutral and polar, with serine, which is neutral and polar, at codon 1477 of the ATM protein (p.Asn1477Ser). This variant is not present in population databases (gnomAD no frequency). This variant has not been reported in the literature in individuals affected with ATM-related conditions. Algorithms developed to predict the effect of missense changes on protein structure and function (SIFT, PolyPhen-2, Align-GVGD) all suggest that this variant is likely to be tolerated. In summary, the available evidence is currently insufficient to determine the role of this variant in disease. Therefore, it has been classified as a Variant of Uncertain Significance.

Ambry Genetics
Classification: Uncertain significance for Hereditary cancer-predisposing syndrome. Last evaluated: 2021-04-27. Review status: criteria provided, single submitter. Criteria: Ambry Variant Classification Scheme 2023. Collection method: clinical testing. Allele origin: germline.
Comment: The p.N1477S variant (also known as c.4430A>G), located in coding exon 28 of the ATM gene, results from an A to G substitution at nucleotide position 4430. The asparagine at codon 1477 is replaced by serine, an amino acid with highly similar properties. This amino acid position is highly conserved in available vertebrate species. In addition, this alteration is predicted to be tolerated by in silico analysis. Since supporting evidence is limited at this time, the clinical significance of this alteration remains unclear.

NM_000051.4(ATM):c.4430A>G (p.Asn1477Ser)

Gene: ATM (ATM serine/threonine kinase; plus strand). Cytogenetic location: 11q22.3.
Variant type: single nucleotide variant.
Coding change: c.4430A>G on transcript NM_000051.4 (MANE Select); coding-DNA position 4430, A replaced by G.
Protein change: p.Asn1477Ser; replaces asparagine 1477 with serine.
Molecular consequence: missense variant.
Genome position (GRCh38, 1-based): chr11:108,289,795, A>G. VCF-style: chr11-108289795-A-G. GRCh37 (hg19) VCF-style: chr11-108160522-A-G.
Other names: c.4430A>G, p.Asn1477Ser (NM_001351834.2); short protein forms N1477S.
Identifiers: ClinVar variation 1740550 (VCV001740550.5), dbSNP rs2546910892, ClinGen allele CA382532283.